The following is an entry in ClinVar:

ClinVar aggregate classification (germline): Uncertain significance (1 of 4 stars; one submission).

Allele frequency attached by ClinVar (database versions not stated): ESP Exome Variant Server 0.00008; 1000 Genomes Project 30x 0.00016; 1000 Genomes Project 0.00020; gnomAD 0.00034 and 0.00035; gnomAD exomes 0.00035; TOPMed 0.00035; ExAC 0.00036.

Submission:

Labcorp Genetics (formerly Invitae), Labcorp
Classification: Uncertain significance. Last evaluated: 2025-10-04. Review status: criteria provided, single submitter. Criteria: Invitae Variant Classification Sherloc (09022015). Collection method: clinical testing. Allele origin: germline.
Comment: This sequence change replaces aspartic acid, which is acidic and polar, with asparagine, which is neutral and polar, at codon 140 of the SORL1 protein (p.Asp140Asn). This variant is present in population databases (rs140888526, gnomAD 0.06%), and has an allele count higher than expected for a pathogenic variant. This missense change has been observed in individual(s) with dementia with Lewy bodies (PMID: 30777654). ClinVar contains an entry for this variant (Variation ID: 1416916). An algorithm developed to predict the effect of missense changes on protein structure and function (PolyPhen-2) suggests that this variant is likely to be disruptive. In summary, the available evidence is currently insufficient to determine the role of this variant in disease. Therefore, it has been classified as a Variant of Uncertain Significance.

Literature cited by the submitters: PubMed 30777654.

NM_003105.6(SORL1):c.418G>A (p.Asp140Asn)

Genes: SORL1 (sortilin related receptor 1; plus strand), LOC105369535 (uncharacterized LOC105369535; minus strand). Cytogenetic location: 11q24.1.
Variant type: single nucleotide variant.
Coding change: c.418G>A on transcript NM_003105.6 (MANE Select); coding-DNA position 418, G replaced by A.
Protein change: p.Asp140Asn; replaces aspartic acid 140 with asparagine.
Molecular consequence: missense variant.
Genome position (GRCh38, 1-based): chr11:121,478,133, G>A. VCF-style: chr11-121478133-G-A. GRCh37 (hg19) VCF-style: chr11-121348842-G-A.
Other names: short protein forms D140N.
Identifiers: ClinVar variation 1416916 (VCV001416916.6), dbSNP rs140888526, ClinGen allele CA6328368.
Genomic context (GRCh38, chr11:121,478,133, plus strand): 5'-TCTCACCAACTCTTTCTTTTTCATCTCCTTTTCTCTGTATTCCAGGTGTACGTGTCTTAC[G>A]ACTATGGAAAATCATTCAAGAAAATTTCAGACAAGTTAAACTTTGGCTTGGGAAATAGGA-3'
Protein context (NP_003096.2, residues 130-150): PKSSDVYVSY[Asp140Asn]YGKSFKKISD